The following is an entry in ClinVar:

NM_032444.4(SLX4):c.4618G>A (p.Glu1540Lys)

Gene: SLX4 (SLX4 structure-specific endonuclease subunit; minus strand). Cytogenetic location: 16p13.3.
Variant type: single nucleotide variant.
Coding change: c.4618G>A on transcript NM_032444.4 (MANE Select); coding-DNA position 4618, G replaced by A.
Protein change: p.Glu1540Lys; replaces glutamic acid 1540 with lysine.
Molecular consequence: missense variant.
Genome position (GRCh38, 1-based): chr16:3,589,020, C>T on the plus strand (G>A on the coding strand, the complement: SLX4 is on the minus strand). VCF-style: chr16-3589020-C-T. GRCh37 (hg19) VCF-style: chr16-3639021-C-T.
Other names: short protein forms E1540K.
Identifiers: ClinVar variation 849812 (VCV000849812.14), dbSNP rs769950582, ClinGen allele CA7865581.

ClinVar aggregate classification (germline): Conflicting classifications of pathogenicity. Review status: criteria provided, conflicting classifications (1 of 4 stars). 5 submissions from 5 submitters: Uncertain significance (3); Likely benign (1). 1 of the submissions does not count toward it. Last evaluated 2026-02-09.

Conditions:
Olaparib response. Also called: Lynparza response. Identifiers: MedGen CN224080.
Fanconi anemia complementation group P. Also called: SLX4-Related Fanconi Anemia. Identifiers: Orphanet 84, MedGen C3469542, MONDO:0013499, OMIM 613951.
Fanconi anemia (FA). Also called: Fanconi's anemia. Identifiers: Orphanet 84, MedGen C0015625, MeSH D005199, MONDO:0019391.

Allele frequency attached by ClinVar (database versions not stated): gnomAD exomes 0.00007; gnomAD 0.00001; TOPMed 0.00004; ExAC 0.00007.
gnomAD v4.1: 35 of 1,614,012 alleles (0.0022%); highest among the groups gnomAD compares: East Asian, 0.04%; no homozygotes.

Submissions (5):

Dasa
Classification: Uncertain significance. Last evaluated: 2026-02-09. Review status: criteria provided, single submitter. Criteria: DASA Assertion Criteria. Collection method: clinical testing. Allele origin: germline.
Comment: NM_032444.4(SLX4):c.4618G>A (p.Glu1540Lys) is a missense variant that results in the substitution of glutamic acid with lysine. This variant is rare in population databases. Computational prediction algorithms are consistent with a benign effect. The currently available literature and clinical evidence are not sufficient to establish a definitive association between this variant and the reported condition. Therefore, this variant is classified as a variant of uncertain significance.

Labcorp Genetics (formerly Invitae), Labcorp
Classification: Uncertain significance for Fanconi anemia. Last evaluated: 2025-11-03. Review status: criteria provided, single submitter. Criteria: Invitae Variant Classification Sherloc (09022015). Collection method: clinical testing. Allele origin: germline.
Comment: This sequence change replaces glutamic acid, which is acidic and polar, with lysine, which is basic and polar, at codon 1540 of the SLX4 protein (p.Glu1540Lys). This variant is present in population databases (rs769950582, gnomAD 0.08%). This variant has not been reported in the literature in individuals affected with SLX4-related conditions. ClinVar contains an entry for this variant (Variation ID: 849812). An algorithm developed to predict the effect of missense changes on protein structure and function outputs the following: PolyPhen-2: "Benign". The lysine amino acid residue is found in multiple mammalian species, which suggests that this missense change does not adversely affect protein function. Experimental studies have shown that this missense change affects SLX4 function (PMID: 38349998). In summary, the available evidence is currently insufficient to determine the role of this variant in disease. Therefore, it has been classified as a Variant of Uncertain Significance.

3billion
Classification: Likely benign for Fanconi anemia complementation group P. Last evaluated: 2024-09-20. Review status: criteria provided, single submitter. Criteria: ACMG Guidelines, 2015. Collection method: clinical testing. Allele origin: germline. Affected: no.
Comment: The homozygous variant was found in patients diagnosed with another variant in a different gene, with no symptoms related to the gene containing the homozygous variant.

Fulgent Genetics
Classification: Uncertain significance for Fanconi anemia complementation group P. Last evaluated: 2024-06-18. Review status: criteria provided, single submitter. Criteria: ACMG Guidelines, 2015. Collection method: clinical testing. Allele origin: germline.

Department of Thoracic Surgery and State Key Laboratory of Genetic Engineering, Fudan University Shanghai Cancer Center
Classification: drug response for Olaparib response. Last evaluated: 2023-11-01. Review status: no assertion criteria provided. Collection method: research. Allele origin: germline. Affected: yes. Not counted in ClinVar's aggregate classification.
Comment: Germline variants of Holliday junction resolvase genes in multiple primary malignancies involving lung cancer lead to Olaparib sensitization.

Literature cited by the submitters: PubMed 38349998 (cited by Labcorp Genetics (formerly Invitae), Labcorp).